The following is an entry in ClinVar:

ClinVar aggregate classification (germline): Pathogenic. Review status: reviewed by expert panel (3 of 4 stars). 6 submissions from 6 submitters: Pathogenic (1). 5 of the submissions do not count toward it. Last evaluated 2025-08-04.

Conditions:
Retinitis pigmentosa 3. Also called: CHOROIDORETINAL DEGENERATION WITH RETINAL REFLEX IN HETEROZYGOUS WOMEN. Identifiers: Orphanet 791, MedGen C1845667, MONDO:0010227, OMIM 300029.
RPGR-related disorder. Also called: RPGR-related condition.
Retinitis pigmentosa (RP). Identifiers: Orphanet 791, MedGen C0035334, MeSH D012174, MONDO:0019200, OMIM 268000. Inheritance: Autosomal dominant, autosomal recessive and X linked inheritance.
RPGR-related retinopathy. Also called: RPGR retinopathy. Identifiers: MedGen CN305589, MONDO:0100437.

Submissions (6):

ClinGen X-linked Inherited Retinal Disease Variant Curation Expert Panel, ClinGen
Classification: Pathogenic for RPGR-related retinopathy. Last evaluated: 2025-08-04. Review status: reviewed by expert panel. Criteria: ClinGen X LinkedIRD ACMG Specifications RPGR V1.0.0. Collection method: curation. Allele origin: germline. Inheritance: X-linked inheritance.
Comment: NM_001034853.2(RPGR):c.1926dup (p.Ser643IlefsTer10) is a frameshift variant due to a 1-nucleotide duplication that introduces a premature stop codon after 10 amino acids in exon 15 of 15, which is predicted to disrupt a critical C-terminal region required for proper glutamylation of RPGR (PVS1, PMID: 36445968). This variant is absent from gnomAD v4.0.0 (PM2_Supporting). The variant has been reported to segregate with retinal dystrophy through at least 3 affected meioses from 1 family (PP1_Moderate; PMID: 19893586). At least one proband harboring this variant exhibits a phenotype including a family history consistent with X-linked inheritance (2 pts) including relatively mildly affected females (1 pt), early onset (1 pt), reduced visual acuity (0.5 pts), visual field constriction (0.5 pts), optic nerve pallor (0.5 pts), and myopia (0.5 pts), which together are specific for RPGR-related retinopathy (6 points, PMID: 19893586, PMID: 10970770, PP4). In summary, this variant is classified as pathogenic for RPGR-related retinopathy based on the ClinGen X-linked Inherited Retinal Disease Expert Panel Specifications to the ACMG/AMP Variant Interpretation Guidelines for RPGR Version 1.0.0; PVS1, PM2_Supporting, PP1_Moderate, and PP4. (date of approval 05/16/2025).

3billion
Classification: Pathogenic for Retinitis pigmentosa 3. Last evaluated: 2025-04-19. Review status: criteria provided, single submitter. Criteria: ACMG Guidelines, 2015. Collection method: clinical testing. Allele origin: germline. Affected: yes. Not counted in ClinVar's aggregate classification.

Blueprint Genetics
Classification: Pathogenic for RPGR-related disorders. Last evaluated: 2024-05-07. Review status: criteria provided, single submitter. Criteria: ACMG Guidelines, 2015. Collection method: clinical testing. Allele origin: germline. Affected: yes. Observed: 4 variant alleles. Not counted in ClinVar's aggregate classification.

Women's Health and Genetics/Laboratory Corporation of America, LabCorp
Classification: Pathogenic for Retinitis pigmentosa. Last evaluated: 2023-04-17. Review status: criteria provided, single submitter. Criteria: LabCorp Variant Classification Summary - May 2015. Collection method: clinical testing. Allele origin: germline. Not counted in ClinVar's aggregate classification.
Comment: Variant summary: This variant is known as RPGR c.1905+21dupA in NM_000328 and as RPGR c.1926dupA, p.S643fs*10 in NM_001034853. In NM_000328, it is located at a position not widely known to affect splicing and 4/4 computational tools predict no significant impact on normal splicing. However, in NM_001034853, correponding to RPGR isoform C which is primarily expressed in the retina, c.1926dupA is located within the ORF15 exon of the encoded protein sequence (Tuupanen_2022) and is predicted to cause a frameshift resulting in a premature termination codon. The variant was absent in 181886 control chromosomes (gnomAD). It has been reported in the literature in multiple individuals affected with X-linked Retinitis Pigmentosa (e.g. Mears_2000, Wu_2010, Chen_2018, Tuupanen_2022) including 13 members of a large family pedigree in which it was reported as a de novo variant in the index patient and segregated with the disease phenotype in both males and females (Mears_2000, Wu_2010). Interestingly, in the family described in Mears_2000 and Wu_2010, all heterozygous females were affected and developed a milder phenotype compared to males with a later onset around age 30. In contrast, in another family only one of eight female carriers developed symptoms, while both males with the variant were affected (Chen_2018). These data indicate that the variant is very likely to be associated with disease, although its penetrance in carrier females is unclear. To our knowledge, no experimental evidence demonstrating an impact on protein function has been reported. One submitter has provided a clinical-significance assessment for this variant to ClinVar after 2014 without evidence for independent evaluation and classified the variant as likely pathogenic. Based on the evidence outlined above, the variant was classified as pathogenic.

PreventionGenetics, part of Exact Sciences
Classification: Likely pathogenic. Last evaluated: 2019-10-31. Review status: criteria provided, single submitter. Criteria: ACMG Guidelines, 2015. Collection method: clinical testing. Allele origin: germline. Not counted in ClinVar's aggregate classification.

OMIM
Classification: Pathogenic for RETINITIS PIGMENTOSA 3. Last evaluated: 2000-10-01. Review status: no assertion criteria provided. Collection method: literature only. Allele origin: germline. Not counted in ClinVar's aggregate classification.

Literature cited by the submitters: PubMed 34985506 (cited by 3billion and Women's Health and Genetics/Laboratory Corporation of America, LabCorp); PubMed 10970770 (cited by 3 submitters); PubMed 9399904 (cited by Women's Health and Genetics/Laboratory Corporation of America, LabCorp); PubMed 30289068 (cited by Women's Health and Genetics/Laboratory Corporation of America, LabCorp); PubMed 19893586 (cited by Women's Health and Genetics/Laboratory Corporation of America, LabCorp); PubMed 7611300 (cited by OMIM).

NM_001034853.2(RPGR):c.1926dup (p.Ser643fs)

Gene: RPGR (retinitis pigmentosa GTPase regulator; minus strand). Cytogenetic location: Xp11.4.
Variant type: Duplication.
Coding change: c.1926dup on transcript NM_001034853.2 (MANE Select); coding-DNA position 1926, one base duplicated (A; older notation c.1926dupA).
Protein change: p.Ser643fs; shifts the reading frame from serine 643.
Molecular consequence: frameshift variant. On other transcripts: intron variant (8).
Genome position (GRCh38, 1-based): chrX:38,287,073, T duplicated on the plus strand (A on the coding strand, the reverse complement: RPGR is on the minus strand); the first of 4 consecutive T bases (chrX:38,287,073-38,287,076); duplicating any one gives the same sequence. VCF-style (leftmost placement, unchanged base first): chrX-38287072-A-AT. GRCh37 (hg19) VCF-style: chrX-38146325-A-AT.
Other names: NM_001034853.2(RPGR):c.1926dup; p.Ser643fs; c.1905+21dupA (NM_000328.2); c.1569+3886dup (NM_001367249.1, NM_001367250.1); c.1902+21dup (NM_001367245.1); c.1386+3886dup (NM_001367251.1); c.1719+21dup (NM_001367246.1); c.1572+3886dup (NM_001367247.1); and 2 more; short protein forms S643fs.
Identifiers: ClinVar variation 975136 (VCV000975136.8), dbSNP rs2067199347, ClinGen allele CA1139667435.